The following is an entry in ClinVar:

ClinVar aggregate classification (germline): Benign/Likely benign. Review status: criteria provided, multiple submitters, no conflicts (2 of 4 stars). 3 submissions from 3 submitters: Benign (1); Likely benign (2). Last evaluated 2026-01-27.

Conditions:
Compton-North congenital myopathy (CMYO12). Identifiers: Orphanet 210163, MedGen C2675527, MONDO:0012929, OMIM 612540.

Allele frequency attached by ClinVar (database versions not stated): gnomAD exomes 0.00072; ExAC 0.00096; 1000 Genomes Project 0.00220; gnomAD 0.00252 and 0.00276; TOPMed 0.00258; ESP Exome Variant Server 0.00261; 1000 Genomes Project 30x 0.00297.
gnomAD v4.1: 793 of 1,581,524 alleles (0.05%); highest among the groups gnomAD compares: African/African-American, 0.96%; 2 homozygotes.

Submissions (3):

Labcorp Genetics (formerly Invitae), Labcorp
Classification: Benign for Compton-North congenital myopathy. Last evaluated: 2026-01-27. Review status: criteria provided, single submitter. Criteria: Invitae Variant Classification Sherloc (09022015). Collection method: clinical testing. Allele origin: germline.

GeneDx
Classification: Likely benign. Last evaluated: 2017-12-29. Review status: criteria provided, single submitter. Criteria: GeneDx Variant Classification (06012015). Collection method: clinical testing. Allele origin: germline. Affected: yes.
Comment: This variant is considered likely benign or benign based on one or more of the following criteria: it is a conservative change, it occurs at a poorly conserved position in the protein, it is predicted to be benign by multiple in silico algorithms, and/or has population frequency not consistent with disease.

Breakthrough Genomics
Classification: Likely benign. Review status: criteria provided, single submitter. Criteria: ACMG Guidelines, 2015. Collection method: not provided. Allele origin: germline. Inheritance: Autosomal recessive inheritance. Affected: yes.

NM_001843.4(CNTN1):c.497-17G>T

Gene: CNTN1 (contactin 1; plus strand). Cytogenetic location: 12q12.
Variant type: single nucleotide variant.
Coding change: c.497-17G>T on transcript NM_001843.4 (MANE Select); 17 bases into the intron before coding-DNA position 497, G replaced by T.
Molecular consequence: intron variant.
Genome position (GRCh38, 1-based): chr12:40,929,779, G>T. VCF-style: chr12-40929779-G-T. GRCh37 (hg19) VCF-style: chr12-41323581-G-T.
Other names: c.497-17G>T (NM_001256063.2, NM_001256064.2); c.464-17G>T (NM_175038.2).
Identifiers: ClinVar variation 385706 (VCV000385706.14), dbSNP rs142799954, ClinGen allele CA6516641.
Genomic context (GRCh38, chr12:40,929,779, plus strand): 5'-TGTTACTAGCCTCTATTAAATTATGTAACAACTTTGGGAGAAGCACTTAATATTTAGAAG[G>T]CAATATTTTCTCCTAGATGATCTTAGCTATCGCTGGCTTCTAAATGAATTTCCTGTATTT-3'